The following is an entry in ClinVar:

ClinVar aggregate classification (germline): Conflicting classifications of pathogenicity. Review status: criteria provided, conflicting classifications (1 of 4 stars). 3 submissions from 3 submitters: Uncertain significance (1); Likely benign (2). Last evaluated 2025-10-28.

Conditions:
Emery-Dreifuss muscular dystrophy 4, autosomal dominant (EDMD4). Also called: EMERY-DREIFUSS MUSCULAR DYSTROPHY 4 WITH VARIABLE FEATURES. Identifiers: Orphanet 261, MedGen C2751807, MONDO:0013071, OMIM 612998.
Autosomal recessive ataxia, Beauce type. Also called: Spinocerebellar ataxia, autosomal recessive 8; ATAXIA, RECESSIVE, OF BEAUCE; SYNE1-Related Autosomal Recessive Cerebellar Ataxia; SYNE1 Deficiency. Identifiers: Orphanet 88644, MedGen C1853116, MONDO:0012549, OMIM 610743.

Allele frequency attached by ClinVar (database versions not stated): ExAC 0.00001; gnomAD 0.00001; gnomAD exomes 0.00001; TOPMed 0.00002.
gnomAD v4.1: 22 of 1,613,784 alleles (0.0014%); highest among the groups gnomAD compares: Non-Finnish European, 0.0018%; no homozygotes.

Submissions (3):

Labcorp Genetics (formerly Invitae), Labcorp
Classification: Likely benign for Emery-Dreifuss muscular dystrophy 4, autosomal dominant; Autosomal recessive ataxia, Beauce type. Last evaluated: 2025-10-28. Review status: criteria provided, single submitter. Criteria: Invitae Variant Classification Sherloc (09022015). Collection method: clinical testing. Allele origin: germline.

Athena Diagnostics
Classification: Uncertain significance. Last evaluated: 2025-02-11. Review status: criteria provided, single submitter. Criteria: Athena Diagnostics Criteria. Collection method: clinical testing. Allele origin: unknown.
Comment: Available data are insufficient to determine the clinical significance of the variant at this time. The frequency of this variant in the general population is uninformative in assessment of its pathogenicity. Computational tools yielded inconclusive predictions regarding the effect of this variant on RNA splicing.

GeneDx
Classification: Likely benign. Last evaluated: 2018-04-30. Review status: criteria provided, single submitter. Criteria: GeneDx Variant Classification (06012015). Collection method: clinical testing. Allele origin: germline. Affected: yes.
Comment: This variant is considered likely benign or benign based on one or more of the following criteria: it is a conservative change, it occurs at a poorly conserved position in the protein, it is predicted to be benign by multiple in silico algorithms, and/or has population frequency not consistent with disease.

NM_182961.4(SYNE1):c.16737T>C (p.Ile5579=)

Gene: SYNE1 (spectrin repeat containing nuclear envelope protein 1; minus strand). Cytogenetic location: 6q25.2.
Variant type: single nucleotide variant.
Coding change: c.16737T>C on transcript NM_182961.4 (MANE Select); coding-DNA position 16737, T replaced by C.
Protein change: p.Ile5579=; no amino-acid change (isoleucine 5579 retained).
Molecular consequence: synonymous variant.
Genome position (GRCh38, 1-based): chr6:152,310,847, A>G on the plus strand (T>C on the coding strand, the complement: SYNE1 is on the minus strand). VCF-style: chr6-152310847-A-G. GRCh37 (hg19) VCF-style: chr6-152631982-A-G.
Other names: c.16737T>C (NM_182961.2); c.16524T>C, p.Ile5508= (NM_033071.5).
Identifiers: ClinVar variation 682468 (VCV000682468.3), dbSNP rs758219775, ClinGen allele CA4055438.